The following is an entry in ClinVar:

ClinVar aggregate classification (germline): Uncertain significance (1 of 4 stars; one submission).

Allele frequency attached by ClinVar (database versions not stated): gnomAD exomes below 0.00001; ExAC 0.00013.
gnomAD v4.1: 2 of 1,526,904 alleles (0.00013%); highest among the groups gnomAD compares: African/African-American, 0.0014%; no homozygotes.

Submission:

Labcorp Genetics (formerly Invitae), Labcorp
Classification: Uncertain significance. Last evaluated: 2022-04-11. Review status: criteria provided, single submitter. Criteria: Invitae Variant Classification Sherloc (09022015). Collection method: clinical testing. Allele origin: germline.
Comment: In summary, the available evidence is currently insufficient to determine the role of this variant in disease. Therefore, it has been classified as a Variant of Uncertain Significance. Advanced modeling of protein sequence and biophysical properties (such as structural, functional, and spatial information, amino acid conservation, physicochemical variation, residue mobility, and thermodynamic stability) performed at Invitae indicates that this missense variant is not expected to disrupt NOTCH3 protein function. This variant has not been reported in the literature in individuals affected with NOTCH3-related conditions. The frequency data for this variant in the population databases is considered unreliable, as metrics indicate poor data quality at this position in the gnomAD database. This sequence change replaces serine, which is neutral and polar, with leucine, which is neutral and non-polar, at codon 2096 of the NOTCH3 protein (p.Ser2096Leu).

NM_000435.3(NOTCH3):c.6287C>T (p.Ser2096Leu)

Gene: NOTCH3 (notch receptor 3; minus strand). Cytogenetic location: 19p13.12.
Variant type: single nucleotide variant.
Coding change: c.6287C>T on transcript NM_000435.3 (MANE Select); coding-DNA position 6287, C replaced by T.
Protein change: p.Ser2096Leu; replaces serine 2096 with leucine.
Molecular consequence: missense variant.
Genome position (GRCh38, 1-based): chr19:15,161,341, G>A on the plus strand (C>T on the coding strand, the complement: NOTCH3 is on the minus strand). VCF-style: chr19-15161341-G-A. GRCh37 (hg19) VCF-style: chr19-15272152-G-A.
Other names: short protein forms S2096L.
Identifiers: ClinVar variation 1931612 (VCV001931612.5), dbSNP rs745724101, ClinGen allele CA9262389.